The following is an entry in ClinVar:

NM_001304438.2(TMEM132E):c.5C>A (p.Ala2Asp)

Gene: TMEM132E (transmembrane protein 132E; plus strand). Cytogenetic location: 17q12.
Variant type: single nucleotide variant.
Coding change: c.5C>A on transcript NM_001304438.2 (MANE Select); coding-DNA position 5, C replaced by A.
Protein change: p.Ala2Asp; replaces alanine 2 with aspartic acid.
Molecular consequence: missense variant.
Genome position (GRCh38, 1-based): chr17:34,581,081, C>A. VCF-style: chr17-34581081-C-A. GRCh37 (hg19) VCF-style: chr17-32908100-C-A.
Other names: NM_207313.1:c.5C>A; c.5C>A (NM_001304438.1); short protein forms A2D.
Identifiers: ClinVar variation 3970063 (VCV003970063.2).

ClinVar aggregate classification (germline): Uncertain significance. Review status: criteria provided, multiple submitters, no conflicts (2 of 4 stars). 2 submissions from 2 submitters: Uncertain significance (2). Last evaluated 2026-02-13.

Conditions:
TMEM132E-related disorder. Also called: TMEM132E-related condition.

gnomAD v4.1: 27 of 1,554,512 alleles (0.0017%); highest among the groups gnomAD compares: Non-Finnish European, 0.0022%; no homozygotes.

Submissions (2):

PreventionGenetics, part of Exact Sciences
Classification: Uncertain significance for TMEM132E-related condition. Last evaluated: 2026-02-13. Review status: criteria provided, single submitter. Criteria: ACMG Guidelines, 2015. Collection method: clinical testing. Allele origin: germline.
Comment: The TMEM132E c.5C>A variant is predicted to result in the amino acid substitution p.Ala2Asp. To our knowledge, this variant has not been reported in the literature. This variant is reported in 0.0045% of alleles in individuals of European (Non-Finnish) descent in gnomAD. At this time, the clinical significance of this variant is uncertain due to the absence of conclusive functional and genetic evidence.

Ambry Genetics
Classification: Uncertain significance. Last evaluated: 2025-03-20. Review status: criteria provided, single submitter. Criteria: Ambry Variant Classification Scheme 2023. Collection method: clinical testing. Allele origin: germline.